The following is an entry in ClinVar:

ClinVar aggregate classification (germline): Likely pathogenic. Review status: criteria provided, multiple submitters, no conflicts (2 of 4 stars). 2 submissions from 2 submitters: Likely pathogenic (2). Last evaluated 2024-05-20.

Conditions:
Retinoblastoma (RB1). Also called: RETINOBLASTOMA, SOMATIC. Identifiers: Orphanet 790, MedGen C0035335, MeSH D012175, MONDO:0008380, OMIM 180200, HP:0009919. Disease mechanism: loss of function. Inheritance: Both sporadic and heritable forms are tested..

Submissions (2):

Genetic Diagnostic Laboratory, University of Pennsylvania School of Medicine
Classification: Likely pathogenic for Retinoblastoma. Last evaluated: 2024-05-20. Review status: criteria provided, single submitter. Criteria: ACMG Guidelines, 2015. Collection method: clinical testing. Allele origin: germline. Affected: yes. Observed: 2 variant alleles.
Comment: Case and Pedigree Information: BILATERAL CASES:2, UNILATERAL CASES:0, TOTAL CASES:2, PEDIGREES:2. ACMG Codes Applied:PM1, PM2, PP3

Department of Pathology and Laboratory Medicine, Sinai Health System
Classification: Likely pathogenic for retinoblastoma. Review status: criteria provided, single submitter. Criteria: ACMG Guidelines, 2015. Collection method: clinical testing. Allele origin: germline.

NM_000321.3(RB1):c.-197G>A

Gene: RB1 (RB transcriptional corepressor 1; plus strand). Cytogenetic location: 13q14.2.
Variant type: single nucleotide variant.
Coding change: c.-197G>A on transcript NM_000321.3 (MANE Select); 197 bases upstream of the start codon, G replaced by A.
Genome position (GRCh38, 1-based): chr13:48,303,716, G>A. VCF-style: chr13-48303716-G-A. GRCh37 (hg19) VCF-style: chr13-48877852-G-A.
Identifiers: ClinVar variation 3237041 (VCV003237041.2), dbSNP rs2542091863.